The following is an entry in ClinVar:

ClinVar aggregate classification (germline): Uncertain significance (1 of 4 stars; one submission).

Conditions:
Fanconi anemia (FA). Also called: Fanconi's anemia. Identifiers: Orphanet 84, MedGen C0015625, MeSH D005199, MONDO:0019391.

Allele frequency attached by ClinVar (database versions not stated): ExAC 0.00001; gnomAD 0.00001; TOPMed 0.00001; ESP Exome Variant Server 0.00008.
gnomAD v4.1: 12 of 1,613,428 alleles (0.00074%); highest among the groups gnomAD compares: Non-Finnish European, 0.00093%; no homozygotes.

Submission:

Labcorp Genetics (formerly Invitae), Labcorp
Classification: Uncertain significance for Fanconi anemia. Last evaluated: 2024-07-10. Review status: criteria provided, single submitter. Criteria: Invitae Variant Classification Sherloc (09022015). Collection method: clinical testing. Allele origin: germline.
Comment: This sequence change replaces glutamine, which is neutral and polar, with lysine, which is basic and polar, at codon 564 of the FANCM protein (p.Gln564Lys). This variant is present in population databases (rs151303175, gnomAD 0.002%). This variant has not been reported in the literature in individuals affected with FANCM-related conditions. ClinVar contains an entry for this variant (Variation ID: 2427798). An algorithm developed to predict the effect of missense changes on protein structure and function (PolyPhen-2) suggests that this variant is likely to be disruptive. In summary, the available evidence is currently insufficient to determine the role of this variant in disease. Therefore, it has been classified as a Variant of Uncertain Significance.

NM_020937.4(FANCM):c.1690C>A (p.Gln564Lys)

Gene: FANCM (FA complementation group M; plus strand). Cytogenetic location: 14q21.2.
Variant type: single nucleotide variant.
Coding change: c.1690C>A on transcript NM_020937.4 (MANE Select); coding-DNA position 1690, C replaced by A.
Protein change: p.Gln564Lys; replaces glutamine 564 with lysine.
Molecular consequence: missense variant.
Genome position (GRCh38, 1-based): chr14:45,164,467, C>A. VCF-style: chr14-45164467-C-A. GRCh37 (hg19) VCF-style: chr14-45633670-C-A.
Other names: c.1612C>A, p.Gln538Lys (NM_001308133.2); c.1690C>A, p.Gln564Lys (NM_001308134.2); short protein forms Q538K, Q564K.
Identifiers: ClinVar variation 2427798 (VCV002427798.6), dbSNP rs151303175, ClinGen allele CA7169125.